The following is an entry in ClinVar:

NM_000038.6(APC):c.2954C>A (p.Ser985Tyr)

Gene: APC (APC regulator of Wnt signaling pathway; plus strand). Cytogenetic location: 5q22.2.
Variant type: single nucleotide variant.
Coding change: c.2954C>A on transcript NM_000038.6 (MANE Select); coding-DNA position 2954, C replaced by A.
Protein change: p.Ser985Tyr; replaces serine 985 with tyrosine.
Molecular consequence: missense variant. On other transcripts: non-coding transcript variant (2).
Genome position (GRCh38, 1-based): chr5:112,838,548, C>A. VCF-style: chr5-112838548-C-A. GRCh37 (hg19) VCF-style: chr5-112174245-C-A.
Other names: c.2105C>A, p.Ser702Tyr (NM_001407470.1, NM_001354906.2); c.1802C>A, p.Ser601Tyr (NM_001407471.1, NM_001407472.1); c.2954C>A, p.Ser985Tyr (NM_001127510.3, NM_001354895.2, NM_001407450.1); c.2900C>A, p.Ser967Tyr (NM_001127511.3); c.3008C>A, p.Ser1003Tyr (NM_001354896.2, NM_001407447.1, NM_001407448.1 and 1 more transcripts); c.2984C>A, p.Ser995Tyr (NM_001354897.2); c.2879C>A, p.Ser960Tyr (NM_001354898.2); c.2870C>A, p.Ser957Tyr (NM_001354899.2); and 11 more; short protein forms S859Y, S902Y, S975Y, S978Y, S1003Y, S856Y, S944Y, S960Y.
Identifiers: ClinVar variation 3410216 (VCV003410216.1).
Genomic context (GRCh38, chr5:112,838,548, plus strand): 5'-ATAGTGTCAGTAGTAGTGATGGTTATGGTAAAAGAGGTCAAATGAAACCCTCGATTGAAT[C>A]CTATTCTGAAGATGATGAAAGTAAGTTTTGCAGTTATGGTCAATACCCAGCCGACCTAGC-3'
Protein context (NP_000029.2, residues 975-995): KRGQMKPSIE[Ser985Tyr]YSEDDESKFC

ClinVar aggregate classification (germline): Uncertain significance (1 of 4 stars; one submission).

Conditions:
Hereditary cancer-predisposing syndrome. Also called: Neoplastic Syndromes, Hereditary; Tumor predisposition; Hereditary Cancer Syndrome; Hereditary neoplastic syndrome. Identifiers: Orphanet 140162, MedGen C0027672, MeSH D009386, MONDO:0015356.

Submission:

Ambry Genetics
Classification: Uncertain significance for Hereditary cancer-predisposing syndrome. Last evaluated: 2024-08-16. Review status: criteria provided, single submitter. Criteria: Ambry Variant Classification Scheme 2023. Collection method: clinical testing. Allele origin: germline.
Comment: The p.S985Y variant (also known as c.2954C>A), located in coding exon 15 of the APC gene, results from a C to A substitution at nucleotide position 2954. The serine at codon 985 is replaced by tyrosine, an amino acid with dissimilar properties. This amino acid position is conserved. In addition, in silico predictors for this gene do not accurately predict pathogenicity. Based on the available evidence, the clinical significance of this variant remains unclear.